The following is an entry in ClinVar:

ClinVar aggregate classification (germline): Pathogenic (1 of 4 stars; one submission).

Submission:

Labcorp Genetics (formerly Invitae), Labcorp
Classification: Pathogenic. Last evaluated: 2022-12-05. Review status: criteria provided, single submitter. Criteria: Invitae Variant Classification Sherloc (09022015). Collection method: clinical testing. Allele origin: germline.
Comment: For these reasons, this variant has been classified as Pathogenic. Algorithms developed to predict the effect of sequence changes on RNA splicing suggest that this variant may disrupt the consensus splice site. Disruption of this splice site has been observed in individual(s) with TSPEAR-related conditions (Invitae). In at least one individual the data is consistent with being in trans (on the opposite chromosome) from a pathogenic variant. This variant is not present in population databases (gnomAD no frequency). This sequence change affects a donor splice site in intron 8 of the TSPEAR gene. It is expected to disrupt RNA splicing. Variants that disrupt the donor or acceptor splice site typically lead to a loss of protein function (PMID: 16199547), and loss-of-function variants in TSPEAR are known to be pathogenic (PMID: 34042254).

Literature cited by the submitters: PubMed 16199547; PubMed 34042254.

NM_144991.3(TSPEAR):c.1336+1G>A

Gene: TSPEAR (thrombospondin type laminin G domain and EAR repeats; minus strand). Cytogenetic location: 21q22.3.
Variant type: single nucleotide variant.
Coding change: c.1336+1G>A on transcript NM_144991.3 (MANE Select); the canonical splice donor site of the intron after coding-DNA position 1336, G replaced by A.
Molecular consequence: splice donor variant.
Genome position (GRCh38, 1-based): chr21:44,525,652, C>T on the plus strand (G>A on the coding strand, the complement: TSPEAR is on the minus strand). VCF-style: chr21-44525652-C-T. GRCh37 (hg19) VCF-style: chr21-45945535-C-T.
Other names: c.1132+1G>A (NM_001272037.2).
Identifiers: ClinVar variation 2818748 (VCV002818748.3), dbSNP rs1555914825, ClinGen allele CA410439011.